The following is an entry in ClinVar:

ClinVar aggregate classification (germline): Conflicting classifications of pathogenicity. Review status: criteria provided, conflicting classifications (1 of 4 stars). 5 submissions from 5 submitters: Uncertain significance (4); Likely benign (1). Last evaluated 2026-06-03.

Conditions:
TTN-related disorder. Also called: TTN-related condition; TTN-related disease; TTN-related disorders.
Early-onset myopathy with fatal cardiomyopathy (CMYO5). Also called: CONGENITAL MYOPATHY 5 WITH CARDIOMYOPATHY; Salih Myopathy. Identifiers: Orphanet 289377, MedGen C2673677, MONDO:0012714, OMIM 611705. Disease mechanism: loss of function.
Myopathy, myofibrillar, 9, with early respiratory failure (MFM9). Also called: MYOPATHY, PROXIMAL, WITH EARLY RESPIRATORY MUSCLE INVOLVEMENT; Hereditary myopathy with early respiratory failure; EDSTROM MYOPATHY; Myopathy, distal, with early respiratory failure, autosomal dominant. Identifiers: Orphanet 178464, Orphanet 34521, MedGen C1863599, MONDO:0011362, OMIM 603689.
Tibial muscular dystrophy (TMD). Also called: Tibial muscular dystrophy, tardive; Udd Distal Myopathy – Tibial Muscular Dystrophy; UDD MYOPATHY. Identifiers: Orphanet 609, MedGen C1838244, MONDO:0010870, OMIM 600334.
Dilated cardiomyopathy 1G (CMD1G). Identifiers: Orphanet 154, MedGen C1858763, MONDO:0011400, OMIM 604145.
Autosomal recessive limb-girdle muscular dystrophy type 2J (LGMDR10). Also called: Limb-girdle muscular dystrophy, type 2J; MUSCULAR DYSTROPHY, LIMB-GIRDLE, AUTOSOMAL RECESSIVE 10. Identifiers: Orphanet 140922, MedGen C1837342, MONDO:0012127, OMIM 608807.
Hypertrophic cardiomyopathy 9. Also called: Familial hypertrophic cardiomyopathy 9. Identifiers: MedGen C1861065, MONDO:0013412, OMIM 613765.
Cardiomyopathy (CMYO). Also called: Cardiomyopathies. Identifiers: Orphanet 167848, MedGen C0878544, MONDO:0004994, HP:0001638. Inheritance: Various modes of inheritance.
Primary dilated cardiomyopathy (DCM). Also called: Dilated Cardiomyopathy. Identifiers: Orphanet 217604, MedGen C0007193, MeSH D002311, MONDO:0005021, HP:0001644. Inheritance: Various modes of inheritance.

Allele frequency attached by ClinVar (database versions not stated): gnomAD exomes 0.00001 and 0.00003; ExAC 0.00002; TOPMed 0.00002; gnomAD 0.00006 and 0.00007; ESP Exome Variant Server 0.00008.
gnomAD v4.1: 31 of 1,594,538 alleles (0.0019%); highest among the groups gnomAD compares: African/African-American, 0.018%; no homozygotes.

Submissions (5):

PreventionGenetics, part of Exact Sciences
Classification: Uncertain significance for TTN-related condition. Last evaluated: 2026-06-03. Review status: criteria provided, single submitter. Criteria: ACMG Guidelines, 2015. Collection method: clinical testing. Allele origin: germline.
Comment: The TTN c.107696T>C variant is predicted to result in the amino acid substitution p.Ile35899Thr. This variant has been reported in the compound heterozygous state with a truncating variant in an individual with limb girdle muscular dystrophy (Table A2, Zídková et al. 2023. PubMed ID: 37526466). This variant is reported in 0.021% of alleles in individuals of African descent in gnomAD. At this time, the clinical significance of this variant is uncertain due to the absence of conclusive functional and genetic evidence.

Fulgent Genetics
Classification: Uncertain significance for Tibial muscular dystrophy; Myopathy, myofibrillar, 9, with early respiratory failure; Dilated cardiomyopathy 1G; Autosomal recessive limb-girdle muscular dystrophy type 2J; Early-onset myopathy with fatal cardiomyopathy; Hypertrophic cardiomyopathy 9. Last evaluated: 2024-05-08. Review status: criteria provided, single submitter. Criteria: ACMG Guidelines, 2015. Collection method: clinical testing. Allele origin: germline.

Revvity Omics, Revvity
Classification: Uncertain significance. Last evaluated: 2022-09-20. Review status: criteria provided, single submitter. Criteria: ACMG Guidelines, 2015. Collection method: clinical testing. Allele origin: germline.

CHEO Genetics Diagnostic Laboratory, Children's Hospital of Eastern Ontario
Classification: Uncertain significance for Cardiomyopathy. Last evaluated: 2019-12-04. Review status: criteria provided, single submitter. Criteria: ACMG Guidelines, 2015. Collection method: clinical testing. Allele origin: germline.

Genetics and Genomics Program, Sidra Medicine
Classification: Likely benign for Primary dilated cardiomyopathy. Review status: criteria provided, single submitter. Criteria: ACMG Guidelines, 2015. Collection method: research. Allele origin: unknown. Affected: yes. Observed: 1 variant allele.

NM_001267550.2(TTN):c.107696T>C (p.Ile35899Thr)

Genes: TTN (titin; minus strand), TTN-AS1 (TTN antisense RNA 1; plus strand). Cytogenetic location: 2q31.2.
Variant type: single nucleotide variant.
Coding change: c.107696T>C on transcript NM_001267550.2 (MANE Select); coding-DNA position 107696, T replaced by C.
Protein change: p.Ile35899Thr; replaces isoleucine 35899 with threonine.
Molecular consequence: missense variant.
Genome position (GRCh38, 1-based): chr2:178,527,292, A>G on the plus strand (T>C on the coding strand, the complement: TTN is on the minus strand). VCF-style: chr2-178527292-A-G. GRCh37 (hg19) VCF-style: chr2-179392019-A-G.
Other names: c.102773T>C, p.Ile34258Thr (NM_001256850.1); c.80501T>C, p.Ile26834Thr (NM_003319.4); c.99992T>C, p.Ile33331Thr (NM_133378.4); c.80876T>C, p.Ile26959Thr (NM_133432.3); c.81077T>C, p.Ile27026Thr (NM_133437.4); short protein forms I26834T, I26959T, I27026T, I33331T, I34258T, I35899T.
Identifiers: ClinVar variation 978741 (VCV000978741.8), dbSNP rs372276487, ClinGen allele CA1984889.